The following is an entry in ClinVar:

NM_020632.3(ATP6V0A4):c.1848C>T (p.Phe616=)

Gene: ATP6V0A4 (ATPase H+ transporting V0 subunit a4; minus strand). Cytogenetic location: 7q34.
Variant type: single nucleotide variant.
Coding change: c.1848C>T on transcript NM_020632.3 (MANE Select); coding-DNA position 1848, C replaced by T.
Protein change: p.Phe616=; no amino-acid change (phenylalanine 616 retained).
Molecular consequence: synonymous variant.
Genome position (GRCh38, 1-based): chr7:138,732,937, G>A on the plus strand (C>T on the coding strand, the complement: ATP6V0A4 is on the minus strand). VCF-style: chr7-138732937-G-A. GRCh37 (hg19) VCF-style: chr7-138417682-G-A.
Other names: p.Phe616=; c.1848C>T, p.Phe616= (NM_130840.3, NM_130841.3).
Identifiers: ClinVar variation 787323 (VCV000787323.16), dbSNP rs143883618, ClinGen allele CA4504639.
Genomic context (GRCh38, chr7:138,732,937, plus strand): 5'-CTGATGTTTGTAGAGGGGTGCGTTGGAAGAGTCACTGTAGTTAAACAGAAACATGTTGAT[G>A]AAGTGGATGAGGATGCTGGGGGCGTGCTGAGATACATGGACGTCAAAGCAGCACCATTTG-3'
Protein context (NP_065683.2, residues 606-626): SQHAPSILIH[Phe616=]INMFLFNYSD

ClinVar aggregate classification (germline): Benign/Likely benign. Review status: criteria provided, multiple submitters, no conflicts (2 of 4 stars). 5 submissions from 5 submitters: Benign (4); Likely benign (1). Last evaluated 2026-02-04.

Conditions:
Autosomal recessive distal renal tubular acidosis. Identifiers: Orphanet 402041, MedGen C1864498, MONDO:0018440.
ATP6V0A4-related disorder. Also called: ATP6V0A4-related condition.

Allele frequency attached by ClinVar (database versions not stated): gnomAD exomes 0.00040 and 0.00116; ExAC 0.00149; 1000 Genomes Project 0.00479; gnomAD 0.00479 and 0.00500; TOPMed 0.00505; 1000 Genomes Project 30x 0.00562; ESP Exome Variant Server 0.00569.
gnomAD v4.1: 1,349 of 1,613,546 alleles (0.084%); highest among the groups gnomAD compares: African/African-American, 1.6%; 20 homozygotes.

Submissions (5):

Labcorp Genetics (formerly Invitae), Labcorp
Classification: Benign. Last evaluated: 2026-02-04. Review status: criteria provided, single submitter. Criteria: Invitae Variant Classification Sherloc (09022015). Collection method: clinical testing. Allele origin: germline.

Mayo Clinic Laboratories, Mayo Clinic
Classification: Likely benign. Last evaluated: 2025-09-18. Review status: criteria provided, single submitter. Criteria: ACMG Guidelines, 2015. Collection method: clinical testing. Allele origin: germline. Observed: 1 variant allele.
Comment: BS1, BP4, BP7

PreventionGenetics, part of Exact Sciences
Classification: Benign for ATP6V0A4-related condition. Last evaluated: 2025-05-20. Review status: criteria provided, single submitter. Criteria: ACMG Guidelines, 2015. Collection method: clinical testing. Allele origin: germline.
Comment: This variant is classified as benign based on ACMG/AMP sequence variant interpretation guidelines (Richards et al. 2015 PMID: 25741868, with internal and published modifications).

Illumina Laboratory Services, Illumina
Classification: Benign for Renal tubular acidosis, distal, 3, with or without sensorineural hearing loss. Last evaluated: 2018-01-12. Review status: criteria provided, single submitter. Criteria: ICSL Variant Classification Criteria 13 December 2019. Collection method: clinical testing. Allele origin: germline.
Comment: This variant was observed in the ICSL laboratory as part of a predisposition screen in an ostensibly healthy population. It had not been previously curated by ICSL or reported in the Human Gene Mutation Database (HGMD: prior to June 1st, 2018), and was therefore a candidate for classification through an automated scoring system. Utilizing variant allele frequency, disease prevalence and penetrance estimates, and inheritance mode, an automated score was calculated to assess if this variant is too frequent to cause the disease. Based on the score and internal cut-off values, a variant classified as benign is not then subjected to further curation. The score for this variant resulted in a classification of benign for this disease.

Breakthrough Genomics
Classification: Benign. Review status: criteria provided, single submitter. Criteria: ACMG Guidelines, 2015. Collection method: not provided. Allele origin: germline. Inheritance: Autosomal recessive inheritance. Affected: yes.